The following is an entry in ClinVar:

ClinVar aggregate classification (germline): Pathogenic (1 of 4 stars; one submission).

Conditions:
Fabry disease. Also called: ALPHA-GALACTOSIDASE A DEFICIENCY; ANDERSON-FABRY DISEASE; CERAMIDE TRIHEXOSIDASE DEFICIENCY; GLA DEFICIENCY; HEREDITARY DYSTOPIC LIPIDOSIS; Angiokeratoma corporis diffusum. Identifiers: Orphanet 324, MedGen C0002986, MONDO:0010526, OMIM 301500, HP:0001071. Disease mechanism: Fabry disease is due to inactivating mutations in the X-linked GLA gene resulting in deficiency of the enzyme Alpha Galactosidase-A., loss of function.

Submission:

Genomenon, Inc
Classification: Pathogenic for Fabry disease. Last evaluated: 2026-09-08. Review status: criteria provided, single submitter. Criteria: Genomenon Sequence Variant Interpretation Standards - Updated. Collection method: curation. Allele origin: germline. Affected: yes.
Comment: GLA p.Val390CysfsTer9 (c.1167dup) is a frameshift variant that is predicted to introduce a premature termination codon and result in a truncated or absent protein product. This variant has been observed in at least one proband with clinical features consistent with Fabry disease (PMID:33807900;28728877;29688992;16531566;39980015). The variant was found to segregate with disease in at least one affected family (PMID:16531566). At least one functional study has demonstrated a substantial alteration in protein function relative to the wild-type (PMID:27657681). It is absent or not present at a significant frequency in gnomAD. In conclusion, we classify GLA p.Val390CysfsTer9 (c.1167dup) as a pathogenic variant.

Literature cited by the submitters: PubMed 33807900; PubMed 28728877; PubMed 29688992; PubMed 16531566; PubMed 39980015; PubMed 27657681.

NM_000169.3(GLA):c.1167dup (p.Val390fs)

Genes: GLA (galactosidase alpha; minus strand), RPL36A-HNRNPH2 (RPL36A-HNRNPH2 readthrough; plus strand). Cytogenetic location: Xq22.1.
Variant type: Duplication.
Coding change: c.1167dup on transcript NM_000169.3 (MANE Select); coding-DNA position 1167, one base duplicated (T; older notation c.1167dupT).
Protein change: p.Val390fs; shifts the reading frame from valine 390.
Molecular consequence: frameshift variant. On other transcripts: non-coding transcript variant (3), intron variant (2).
Genome position (GRCh38, 1-based): chrX:101,397,932, A duplicated on the plus strand (T on the coding strand, the reverse complement: GLA is on the minus strand). VCF-style (leftmost placement, unchanged base first): chrX-101397931-C-CA. GRCh37 (hg19) VCF-style: chrX-100652919-C-CA.
Other names: c.1290dup, p.Val431fs (NM_001406747.1); c.300+2475dup (NM_001199973.2); c.177+6110dup (NM_001199974.2); short protein forms V390fs, V431fs.
Identifiers: ClinVar variation 4087069 (VCV004087069.2).
Genomic context (GRCh38, chrX:101,397,931, plus strand): 5'-TGGGATTTATGTGACTTCTTAACCTTGAAGTCCATTCATAGAACCCTAGCTTCCTTTTCA[C>CA]AGGGAGGAGCTGTGTGATGAAGCAGGCAGGATTACAGGCCACTCCTTTACCCAGGGAAGC-3'